The following is an entry in ClinVar:

NM_015662.3(IFT172):c.4914+6G>A

Genes: IFT172 (intraflagellar transport 172; minus strand), KRTCAP3 (keratinocyte associated protein 3; plus strand). Cytogenetic location: 2p23.3.
Variant type: single nucleotide variant.
Coding change: c.4914+6G>A on transcript NM_015662.3 (MANE Select); 6 bases into the intron after coding-DNA position 4914, G replaced by A.
Molecular consequence: intron variant.
Genome position (GRCh38, 1-based): chr2:27,445,739, C>T on the plus strand (G>A on the coding strand, the complement: IFT172 is on the minus strand). VCF-style: chr2-27445739-C-T. GRCh37 (hg19) VCF-style: chr2-27668606-C-T.
Other names: c.*6-562C>T (NM_001168364.2); c.4848+6G>A (NM_001410739.1).
Identifiers: ClinVar variation 5001696 (VCV005001696.1).

ClinVar aggregate classification (germline): Likely benign (1 of 4 stars; one submission).

Conditions:
IFT172-related disorder. Also called: IFT172-related condition; IFT172-related disorders.

gnomAD v4.1: 6 of 1,614,170 alleles (0.00037%); highest among the groups gnomAD compares: Non-Finnish European, 0.00051%; no homozygotes.

Submission:

PreventionGenetics, part of Exact Sciences
Classification: Likely benign for IFT172-related condition. Last evaluated: 2025-06-20. Review status: criteria provided, single submitter. Criteria: ACMG Guidelines, 2015. Collection method: clinical testing. Allele origin: germline.
Comment: This variant is classified as likely benign based on ACMG/AMP sequence variant interpretation guidelines (Richards et al. 2015 PMID: 25741868, with internal and published modifications).